The following is an entry in ClinVar:

ClinVar aggregate classification (germline): Uncertain significance (1 of 4 stars; one submission).

Conditions:
Muscular dystrophy-dystroglycanopathy (congenital with brain and eye anomalies), type a, 8 (MDDGA8). Also called: WALKER-WARBURG SYNDROME OR MUSCLE-EYE-BRAIN DISEASE, GTDC2-RELATED. Identifiers: Orphanet 899, MedGen C3553813, MONDO:0013904, OMIM 614830.

Submission:

Labcorp Genetics (formerly Invitae), Labcorp
Classification: Uncertain significance for Muscular dystrophy-dystroglycanopathy (congenital with brain and eye anomalies), type a, 8. Last evaluated: 2024-06-17. Review status: criteria provided, single submitter. Criteria: Invitae Variant Classification Sherloc (09022015). Collection method: clinical testing. Allele origin: germline.
Comment: This sequence change replaces proline, which is neutral and non-polar, with leucine, which is neutral and non-polar, at codon 250 of the POMGNT2 protein (p.Pro250Leu). This variant is not present in population databases (gnomAD no frequency). This variant has not been reported in the literature in individuals affected with POMGNT2-related conditions. ClinVar contains an entry for this variant (Variation ID: 2042286). Advanced modeling of protein sequence and biophysical properties (such as structural, functional, and spatial information, amino acid conservation, physicochemical variation, residue mobility, and thermodynamic stability) has been performed at Invitae for this missense variant, however the output from this modeling did not meet the statistical confidence thresholds required to predict the impact of this variant on POMGNT2 protein function. In summary, the available evidence is currently insufficient to determine the role of this variant in disease. Therefore, it has been classified as a Variant of Uncertain Significance.

NM_032806.6(POMGNT2):c.749C>T (p.Pro250Leu)

Gene: POMGNT2 (protein O-linked mannose N-acetylglucosaminyltransferase 2 (beta 1,4-); minus strand). Cytogenetic location: 3p22.1.
Variant type: single nucleotide variant.
Coding change: c.749C>T on transcript NM_032806.6 (MANE Select); coding-DNA position 749, C replaced by T.
Protein change: p.Pro250Leu; replaces proline 250 with leucine.
Molecular consequence: missense variant.
Genome position (GRCh38, 1-based): chr3:43,080,683, G>A on the plus strand (C>T on the coding strand, the complement: POMGNT2 is on the minus strand). VCF-style: chr3-43080683-G-A. GRCh37 (hg19) VCF-style: chr3-43122175-G-A.
Other names: short protein forms P250L.
Identifiers: ClinVar variation 2042286 (VCV002042286.4), dbSNP rs2528897986, ClinGen allele CA352302587.